The following is an entry in ClinVar:

ClinVar aggregate classification (germline): Uncertain significance. Review status: criteria provided, multiple submitters, no conflicts (2 of 4 stars). 3 submissions from 3 submitters: Uncertain significance (3). Last evaluated 2025-08-19.

Conditions:
Combined immunodeficiency due to LRBA deficiency. Also called: Common variable immunodeficiency 8, with autoimmunity. Identifiers: Orphanet 445018, MedGen C3553512, MONDO:0013863, OMIM 614700.
Inborn genetic diseases. Identifiers: MedGen C0950123, MeSH D030342.

Allele frequency attached by ClinVar (database versions not stated): gnomAD 0.00001 and 0.00002; TOPMed 0.00002.
gnomAD v4.1: 25 of 1,592,754 alleles (0.0016%); highest among the groups gnomAD compares: African/African-American, 0.013%; 1 homozygote.

Submissions (3):

Ambry Genetics
Classification: Uncertain significance for Inborn genetic diseases. Last evaluated: 2025-08-19. Review status: criteria provided, single submitter. Criteria: Ambry Variant Classification Scheme 2023. Collection method: clinical testing. Allele origin: germline.

Labcorp Genetics (formerly Invitae), Labcorp
Classification: Uncertain significance for Combined immunodeficiency due to LRBA deficiency. Last evaluated: 2024-01-25. Review status: criteria provided, single submitter. Criteria: Invitae Variant Classification Sherloc (09022015). Collection method: clinical testing. Allele origin: germline.
Comment: This sequence change replaces isoleucine, which is neutral and non-polar, with leucine, which is neutral and non-polar, at codon 1540 of the LRBA protein (p.Ile1540Leu). This variant is not present in population databases (gnomAD no frequency). This variant has not been reported in the literature in individuals affected with LRBA-related conditions. ClinVar contains an entry for this variant (Variation ID: 1031077). Advanced modeling of protein sequence and biophysical properties (such as structural, functional, and spatial information, amino acid conservation, physicochemical variation, residue mobility, and thermodynamic stability) performed at Invitae indicates that this missense variant is expected to disrupt LRBA protein function with a positive predictive value of 80%. In summary, the available evidence is currently insufficient to determine the role of this variant in disease. Therefore, it has been classified as a Variant of Uncertain Significance.

Baylor Genetics
Classification: Uncertain significance for Combined immunodeficiency due to LRBA deficiency. Last evaluated: 2019-10-30. Review status: criteria provided, single submitter. Criteria: ACMG Guidelines, 2015. Collection method: clinical testing. Allele origin: unknown. Affected: yes.
Comment: This variant was determined to be of uncertain significance according to ACMG Guidelines, 2015 [PMID:25741868].

NM_001364905.1(LRBA):c.4618A>C (p.Ile1540Leu)

Gene: LRBA (LPS responsive beige-like anchor protein; minus strand). Cytogenetic location: 4q31.3.
Variant type: single nucleotide variant.
Coding change: c.4618A>C on transcript NM_001364905.1 (MANE Select); coding-DNA position 4618, A replaced by C.
Protein change: p.Ile1540Leu; replaces isoleucine 1540 with leucine.
Molecular consequence: missense variant.
Genome position (GRCh38, 1-based): chr4:150,831,928, T>G on the plus strand (A>C on the coding strand, the complement: LRBA is on the minus strand). VCF-style: chr4-150831928-T-G. GRCh37 (hg19) VCF-style: chr4-151753080-T-G.
Other names: c.4618A>C, p.Ile1540Leu (NM_001199282.3, NM_001367550.1, NM_006726.5); short protein forms I1540L.
Identifiers: ClinVar variation 1031077 (VCV001031077.7), dbSNP rs550389924, ClinGen allele CA107802089.